The following is an entry in ClinVar:

ClinVar aggregate classification (germline): Benign/Likely benign. Review status: criteria provided, multiple submitters, no conflicts (2 of 4 stars). 3 submissions from 3 submitters: Benign (1); Likely benign (2). Last evaluated 2026-07-01.

Allele frequency attached by ClinVar (database versions not stated): 1000 Genomes Project 0.00100; TOPMed 0.00152; ESP Exome Variant Server 0.00215; gnomAD 0.00254 and 0.00268.
gnomAD v4.1: 3,395 of 1,614,012 alleles (0.21%); highest among the groups gnomAD compares: Non-Finnish European, 0.24%; 20 homozygotes.

Submissions (3):

CeGaT Center for Human Genetics Tuebingen
Classification: Likely benign. Last evaluated: 2026-07-01. Review status: criteria provided, single submitter. Criteria: CeGaT Center For Human Genetics Tuebingen Variant Classification Criteria Version 2. Collection method: clinical testing. Allele origin: germline. Affected: yes. Observed: 3 variant alleles.
Comment: KRT6B: BP4, BP7, BS2

Labcorp Genetics (formerly Invitae), Labcorp
Classification: Benign. Last evaluated: 2025-11-18. Review status: criteria provided, single submitter. Criteria: Invitae Variant Classification Sherloc (09022015). Collection method: clinical testing. Allele origin: germline.

Blueprint Genetics
Classification: Likely benign. Last evaluated: 2024-11-27. Review status: criteria provided, single submitter. Criteria: ACMG Guidelines, 2015. Collection method: clinical testing. Allele origin: germline.

NM_005555.4(KRT6B):c.1494C>T (p.Gly498=)

Gene: KRT6B (keratin 6B; minus strand). Cytogenetic location: 12q13.13.
Variant type: single nucleotide variant.
Coding change: c.1494C>T on transcript NM_005555.4 (MANE Select); coding-DNA position 1494, C replaced by T.
Protein change: p.Gly498=; no amino-acid change (glycine 498 retained).
Molecular consequence: synonymous variant.
Genome position (GRCh38, 1-based): chr12:52,447,391, G>A on the plus strand (C>T on the coding strand, the complement: KRT6B is on the minus strand). VCF-style: chr12-52447391-G-A. GRCh37 (hg19) VCF-style: chr12-52841175-G-A.
Identifiers: ClinVar variation 718030 (VCV000718030.28), dbSNP rs147867894, ClinGen allele CA6580345.
Genomic context (GRCh38, chr12:52,447,391, plus strand): 5'-GCCATAGGAGTAGCTGCTTCCTCCACCCAGGCCTAAGCCACTGCCGACACCGCTGGCACC[G>A]CCATAGCCACTGGAGACGGTGGACTGCACTACAGCTGTGGTGGGGAGGGGACAAGGACAC-3'
Protein context (NP_005546.2, residues 488-508): VVQSTVSSGY[Gly498=]GASGVGSGLG